The following is an entry in ClinVar:

ClinVar aggregate classification (germline): Pathogenic (1 of 4 stars; one submission).

Conditions:
Deficiency of UDPglucose-hexose-1-phosphate uridylyltransferase. Also called: Transferase Deficiency Galactosemia; GALT deficiency; Galactosemia, classic; GALACTOSEMIA I; GALACTOSE-1-PHOSPHATE URIDYLYLTRANSFERASE DEFICIENCY. Identifiers: Orphanet 352, Orphanet 79239, MedGen C0268151, MONDO:0009258, OMIM 230400.

Submission:

Labcorp Genetics (formerly Invitae), Labcorp
Classification: Pathogenic for Deficiency of UDPglucose-hexose-1-phosphate uridylyltransferase. Last evaluated: 2022-06-10. Review status: criteria provided, single submitter. Criteria: Invitae Variant Classification Sherloc (09022015). Collection method: clinical testing. Allele origin: germline.
Comment: This variant has not been reported in the literature in individuals affected with GALT-related conditions. This variant is not present in population databases (gnomAD no frequency). This sequence change creates a premature translational stop signal (p.Met219Cysfs*2) in the GALT gene. It is expected to result in an absent or disrupted protein product. Loss-of-function variants in GALT are known to be pathogenic (PMID: 22944367). For these reasons, this variant has been classified as Pathogenic.

Literature cited by the submitters: PubMed 22944367.

NM_000155.4(GALT):c.649_653dup (p.Met219fs)

Gene: GALT (galactose-1-phosphate uridylyltransferase; plus strand). Cytogenetic location: 9p13.3.
Variant type: Duplication.
Coding change: c.649_653dup on transcript NM_000155.4 (MANE Select); coding-DNA positions 649 to 653, 5 bases duplicated (CTGCT; older notation c.649_653dupCTGCT).
Protein change: p.Met219fs; shifts the reading frame from methionine 219.
Molecular consequence: frameshift variant.
Genome position (GRCh38, 1-based): chr9:34,648,418-34,648,422, CTGCT duplicated. VCF-style (leftmost placement, unchanged base first): chr9-34648417-C-CCTGCT. GRCh37 (hg19) VCF-style: chr9-34648414-C-CCTGCT.
Other names: c.322_326dup, p.Met110fs (NM_001258332.2); short protein forms M219fs, M110fs.
Identifiers: ClinVar variation 2004328 (VCV002004328.4), dbSNP rs2492869764, ClinGen allele CA2580080398.
Genomic context (GRCh38, chr9:34,648,417, plus strand): 5'-AGATATTGCCCAGCGTGAGGAGCGATCTCAGCAGGCCTATAAGAGTCAGCATGGAGAGCC[C>CCTGCT]CTGCTAATGGAGTACAGCCGCCAGGAGCTACTCAGGAAGGTGGGAGAGAGCCAAGCCCTG-3'